The following is an entry in ClinVar:

NM_000489.6(ATRX):c.5716A>C (p.Ser1906Arg)

Gene: ATRX (ATRX chromatin remodeler; minus strand). Cytogenetic location: Xq21.1.
Variant type: single nucleotide variant.
Coding change: c.5716A>C on transcript NM_000489.6 (MANE Select); coding-DNA position 5716, A replaced by C.
Protein change: p.Ser1906Arg; replaces serine 1906 with arginine.
Molecular consequence: missense variant.
Genome position (GRCh38, 1-based): chrX:77,599,802, T>G on the plus strand (A>C on the coding strand, the complement: ATRX is on the minus strand). VCF-style: chrX-77599802-T-G. GRCh37 (hg19) VCF-style: chrX-76855271-T-G.
Other names: c.5602A>C, p.Ser1868Arg (NM_138270.5); short protein forms S1868R, S1906R.
Identifiers: ClinVar variation 3343532 (VCV003343532.1).

ClinVar aggregate classification (germline): Uncertain significance (1 of 4 stars; one submission).

Submission:

GeneDx
Classification: Uncertain significance. Last evaluated: 2023-05-25. Review status: criteria provided, single submitter. Criteria: GeneDx Variant Classification Process June 2021. Collection method: clinical testing. Allele origin: germline. Affected: yes.
Comment: Not observed at significant frequency in large population cohorts (gnomAD); In silico analysis supports that this missense variant has a deleterious effect on protein structure/function; Has not been previously published as pathogenic or benign to our knowledge